The following is an entry in ClinVar:

NM_024642.5(GALNT12):c.444C>G (p.Ala148=)

Gene: GALNT12 (polypeptide N-acetylgalactosaminyltransferase 12; plus strand). Cytogenetic location: 9q22.33.
Variant type: single nucleotide variant.
Coding change: c.444C>G on transcript NM_024642.5 (MANE Select); coding-DNA position 444, C replaced by G.
Protein change: p.Ala148=; no amino-acid change (alanine 148 retained).
Molecular consequence: synonymous variant.
Genome position (GRCh38, 1-based): chr9:98,823,328, C>G. VCF-style: chr9-98823328-C-G. GRCh37 (hg19) VCF-style: chr9-101585610-C-G.
Identifiers: ClinVar variation 4028018 (VCV004028018.2).

ClinVar aggregate classification (germline): Benign/Likely benign. Review status: criteria provided, multiple submitters, no conflicts (2 of 4 stars). 2 submissions from 2 submitters: Benign (1); Likely benign (1). Last evaluated 2026-04-23.

Conditions:
Colorectal cancer, susceptibility to, 1. Also called: COLORECTAL ADENOMA AND CANCER, SUSCEPTIBILITY TO; COLORECTAL CANCER, SUSCEPTIBILITY TO, ON CHROMOSOME 9. Identifiers: MedGen C1837315, MONDO:0012132, OMIM 608812.

Submissions (2):

Myriad Genetics, Inc.
Classification: Benign for Colorectal cancer, susceptibility to, 1. Last evaluated: 2026-04-23. Review status: criteria provided, single submitter. Criteria: Myriad Autosomal Dominant, Autosomal Recessive and X-Linked Classification Criteria (2023). Collection method: clinical testing. Allele origin: unknown.
Comment: This variant is considered benign. This variant is a silent/synonymous amino acid change and it is not expected to impact splicing.

Ambry Genetics
Classification: Likely benign. Last evaluated: 2025-05-21. Review status: criteria provided, single submitter. Criteria: Ambry Variant Classification Scheme 2023. Collection method: clinical testing. Allele origin: germline.